The following is an entry in ClinVar:

NM_000152.5(GAA):c.1426_1429delinsGTTGG (p.Leu476fs)

Gene: GAA (alpha glucosidase; plus strand). Cytogenetic location: 17q25.3.
Variant type: Indel.
Coding change: c.1426_1429delinsGTTGG on transcript NM_000152.5 (MANE Select); coding-DNA positions 1426 to 1429, CTGA replaced by GTTGG.
Protein change: p.Leu476fs; shifts the reading frame from leucine 476.
Molecular consequence: frameshift variant.
Genome position (GRCh38, 1-based): chr17:80,110,044-80,110,047, CTGA replaced by GTTGG. VCF-style: chr17-80110044-CTGA-GTTGG. GRCh37 (hg19) VCF-style: chr17-78083843-CTGA-GTTGG.
Other names: c.1426_1429delinsGTTGG, p.Leu476fs (NM_001079803.3, NM_001079804.3); c.1426_1429delCTGAinsGTTGG (NM_000152.4); short protein forms L476fs.
Identifiers: ClinVar variation 968214 (VCV000968214.7), dbSNP rs2039195145, ClinGen allele CA1139665916.

ClinVar aggregate classification (germline): Pathogenic/Likely pathogenic. Review status: criteria provided, multiple submitters, no conflicts (2 of 4 stars). 2 submissions from 2 submitters: Pathogenic (1); Likely pathogenic (1). Last evaluated 2026-01-26.

Conditions:
Glycogen storage disease, type II (IOPD). Also called: GSD II; POMPE DISEASE, INFANTILE-ONSET; GLYCOGEN STORAGE DISEASE II, INFANTILE-ONSET; ACID ALPHA-GLUCOSIDASE DEFICIENCY, INFANTILE-ONSET; GAA DEFICIENCY, INFANTILE-ONSET; ACID MALTASE DEFICIENCY, INFANTILE-ONSET. Identifiers: Orphanet 365, MedGen C0017921, MONDO:0009290, OMIM 232300.

Submissions (2):

Natera, Inc.
Classification: Likely pathogenic for Glycogen storage disease type II. Last evaluated: 2026-01-26. Review status: criteria provided, single submitter. Criteria: Natera Variant Classification Schema (03/2026). Collection method: clinical testing. Allele origin: germline.
Comment: The c.1426_1429delCTGAinsGTTGG variant in GAA is a frameshift variant predicted to shift the reading frame beginning at codon 476 and leads to a stop codon 30 codons downstream. This variant is expected to result in nonsense mediated decay, truncation, or a dysfunctional protein product. This variant is rare in the general population with a frequency below the threshold expected for the associated phenotype(s). Given the available evidence, this variant is classified as Likely Pathogenic.

Labcorp Genetics (formerly Invitae), Labcorp
Classification: Pathogenic for Glycogen storage disease, type II. Last evaluated: 2025-11-24. Review status: criteria provided, single submitter. Criteria: Invitae Variant Classification Sherloc (09022015). Collection method: clinical testing. Allele origin: germline.
Comment: This sequence change creates a premature translational stop signal (p.Leu476Valfs*30) in the GAA gene. It is expected to result in an absent or disrupted protein product. Loss-of-function variants in GAA are known to be pathogenic (PMID: 18425781, 22252923). This variant is not present in population databases (gnomAD no frequency). This variant has not been reported in the literature in individuals affected with GAA-related conditions. For these reasons, this variant has been classified as Pathogenic.

Literature cited by the submitters: PubMed 18425781 (cited by Labcorp Genetics (formerly Invitae), Labcorp); PubMed 22252923 (cited by Labcorp Genetics (formerly Invitae), Labcorp).